The following is an entry in ClinVar:

NM_016734.3(PAX5):c.964G>A (p.Ala322Thr)

Gene: PAX5 (paired box 5; minus strand). Cytogenetic location: 9p13.2.
Variant type: single nucleotide variant.
Coding change: c.964G>A on transcript NM_016734.3 (MANE Select); coding-DNA position 964, G replaced by A.
Protein change: p.Ala322Thr; replaces alanine 322 with threonine.
Molecular consequence: missense variant. On other transcripts: non-coding transcript variant (2), intron variant (6).
Genome position (GRCh38, 1-based): chr9:36,882,052, C>T on the plus strand (G>A on the coding strand, the complement: PAX5 is on the minus strand). VCF-style: chr9-36882052-C-T. GRCh37 (hg19) VCF-style: chr9-36882049-C-T.
Other names: c.964G>A, p.Ala322Thr (NM_001280548.2); c.835G>A, p.Ala279Thr (NM_001280553.2, NM_001280554.2); c.640G>A, p.Ala214Thr (NM_001280556.2); c.586+41303G>A (NM_001280551.2); c.713-35123G>A (NM_001280555.2); c.781-41416G>A (NM_001280550.2); c.781-35123G>A (NM_001280549.2); c.910+41303G>A (NM_001280552.2); and 1 more; short protein forms A322T, A214T, A279T.
Identifiers: ClinVar variation 135003 (VCV000135003.11), dbSNP rs34810717, ClinGen allele CA161371.

ClinVar aggregate classification (germline): Benign/Likely benign. Review status: criteria provided, multiple submitters, no conflicts (2 of 4 stars). 7 submissions from 7 submitters: Benign (3); Likely benign (1). 3 of the submissions do not count toward it. Last evaluated 2026-02-04.

Allele frequency attached by ClinVar (database versions not stated): 1000 Genomes Project 0.00200; 1000 Genomes Project 30x 0.00281; gnomAD 0.00849 and 0.00861; TOPMed 0.00870; gnomAD exomes 0.00970; ExAC 0.01090; ESP Exome Variant Server 0.01123.
gnomAD v4.1: 20,471 of 1,611,354 alleles (1.3%); highest among the groups gnomAD compares: Non-Finnish European, 1.5%; 160 homozygotes.

Submissions (7):

Labcorp Genetics (formerly Invitae), Labcorp
Classification: Benign. Last evaluated: 2026-02-04. Review status: criteria provided, single submitter. Criteria: Invitae Variant Classification Sherloc (09022015). Collection method: clinical testing. Allele origin: germline.

Mayo Clinic Laboratories, Mayo Clinic
Classification: Likely benign. Last evaluated: 2025-09-16. Review status: criteria provided, single submitter. Criteria: ACMG Guidelines, 2015. Collection method: clinical testing. Allele origin: germline. Observed: 2 variant alleles.
Comment: BS1, BP4_moderate

GeneDx
Classification: Benign. Last evaluated: 2021-03-10. Review status: criteria provided, single submitter. Criteria: GeneDx Variant Classification Process June 2021. Collection method: clinical testing. Allele origin: germline. Affected: yes.
Comment: This variant is associated with the following publications: (PMID: 24728327)

Breakthrough Genomics
Classification: Benign. Review status: criteria provided, single submitter. Criteria: ACMG Guidelines, 2015. Collection method: not provided. Allele origin: germline. Inheritance: Unknown mechanism. Affected: yes.

ITMI
No classification provided. Condition: AllHighlyPenetrant. Last evaluated: 2013-09-19. Review status: no classification provided. Collection method: reference population. Allele origin: germline. Not counted in ClinVar's aggregate classification.
Comment: Please see associated publication for description of ethnicities

Genome Diagnostics Laboratory, Amsterdam University Medical Center
Classification: Benign. Review status: no assertion criteria provided. Collection method: clinical testing. Allele origin: germline. Affected: yes. Study: VKGL Data-share Consensus. Not counted in ClinVar's aggregate classification.

Laboratory of Diagnostic Genome Analysis, Leiden University Medical Center (LUMC)
Classification: Likely benign. Review status: no assertion criteria provided. Collection method: clinical testing. Allele origin: germline. Affected: yes. Study: VKGL Data-share Consensus. Not counted in ClinVar's aggregate classification.

Literature cited by the submitters: PubMed 24728327 (cited by ITMI).